The following is an entry in ClinVar:

ClinVar aggregate classification (germline): Likely pathogenic (1 of 4 stars; one submission).

Conditions:
Bardet-Biedl syndrome 2 (BBS2). Identifiers: Orphanet 110, MedGen C2936863, MONDO:0014432, OMIM 615981.

Submission:

Myriad Genetics, Inc.
Classification: Likely pathogenic for Bardet-Biedl syndrome 2. Last evaluated: 2022-03-17. Review status: criteria provided, single submitter. Criteria: Myriad Women's Health Autosomal Recessive and X-Linked Classification Criteria (2021). Collection method: clinical testing. Allele origin: unknown.
Comment: NM_031885.3(BBS2):c.1260_1262del3ins7(E420Dfs*8) is expected to be pathogenic in the context of Bardet-Biedl syndrome, BBS2-related. This variant is predicted to lead to an abnormal or absent protein product due to the creation of a premature termination codon in BBS2, a gene where loss-of-function variants are known to be pathogenic. Please note: this variant was assessed in the context of healthy population screening.

NM_031885.5(BBS2):c.1260_1262delinsTGTGTAT (p.Glu420fs)

Gene: BBS2 (Bardet-Biedl syndrome 2; minus strand). Cytogenetic location: 16q13.
Variant type: Indel.
Coding change: c.1260_1262delinsTGTGTAT on transcript NM_031885.5 (MANE Select); coding-DNA positions 1260 to 1262, AGG replaced by TGTGTAT.
Protein change: p.Glu420fs; shifts the reading frame from glutamic acid 420.
Molecular consequence: frameshift variant. On other transcripts: non-coding transcript variant (2).
Genome position (GRCh38, 1-based): chr16:56,500,989-56,500,991, CCT replaced by ATACACA on the plus strand (AGG replaced by TGTGTAT on the coding strand, the reverse complement: BBS2 is on the minus strand). VCF-style: chr16-56500989-CCT-ATACACA. GRCh37 (hg19) VCF-style: chr16-56534901-CCT-ATACACA.
Other names: c.1260_1262delinsTGTGTAT, p.Glu420fs (NM_001377456.1); short protein forms E420fs.
Identifiers: ClinVar variation 1725392 (VCV001725392.2), dbSNP rs2543707875, ClinGen allele CA2580091666.